The following is an entry in ClinVar:

NM_006364.4(SEC23A):c.59G>A (p.Ser20Asn)

Gene: SEC23A (SEC23 homolog A, COPII coat complex component; minus strand). Cytogenetic location: 14q21.1.
Variant type: single nucleotide variant.
Coding change: c.59G>A on transcript NM_006364.4 (MANE Select); coding-DNA position 59, G replaced by A.
Protein change: p.Ser20Asn; replaces serine 20 with asparagine.
Molecular consequence: missense variant.
Genome position (GRCh38, 1-based): chr14:39,096,060, C>T on the plus strand (G>A on the coding strand, the complement: SEC23A is on the minus strand). VCF-style: chr14-39096060-C-T. GRCh37 (hg19) VCF-style: chr14-39565264-C-T.
Other names: short protein forms S20N.
Identifiers: ClinVar variation 2627671 (VCV002627671.1), dbSNP rs1594488853, ClinGen allele CA389537904.

ClinVar aggregate classification (germline): Uncertain significance (1 of 4 stars; one submission).

Conditions:
Craniolenticulosutural dysplasia (CLSD). Also called: BOYADJIEV-JABS SYNDROME. Identifiers: Orphanet 50814, MedGen C1843042, MONDO:0011911, OMIM 607812.

Submission:

Neuberg Centre For Genomic Medicine, NCGM
Classification: Uncertain significance for Craniolenticulosutural dysplasia. Review status: criteria provided, single submitter. Criteria: ACMG Guidelines, 2015. Collection method: clinical testing. Allele origin: germline. Inheritance: Autosomal recessive inheritance. Affected: yes.
Comment: The missense variant p.S20N in SEC23A (NM_006364.4) has not been reported previously as a pathogenic variant nor as a benign variant, to our knowledge. The p.S20N variant is novel (not in any individuals) in gnomAD Exomes and is novel (not in any individuals) in 1000 Genomes. The p.S20N missense variant is predicted to be damaging by both SIFT and PolyPhen2. The serine residue at codon 20 of SEC23A is conserved in all mammalian species. The nucleotide c.59 in SEC23A is predicted conserved by GERP++ and PhyloP across 100 vertebrates. For these reasons, this variant has been classified as Uncertain Significance.